The following is an entry in ClinVar:

NC_000012.11:g.(?_114791734)_(114793912_114803969)dup

Gene: TBX5 (T-box transcription factor 5; minus strand). Cytogenetic location: 12q24.21.
Variant type: Duplication.
Identifiers: ClinVar variation 4887378 (VCV004887378.1).

ClinVar aggregate classification (germline): Uncertain significance (1 of 4 stars; one submission).

Submission:

Women's Health and Genetics/Laboratory Corporation of America, LabCorp
Classification: Uncertain significance. Last evaluated: 2026-06-10. Review status: criteria provided, single submitter. Criteria: LabCorp Variant Classification Summary - May 2015. Collection method: clinical testing. Allele origin: germline.
Comment: Variant summary: The variant involves the duplication of exon 9 in the TBX5 gene. A presumed nomenclature of c.(982+1_983-1)_(*1603_?)dup has been designated for the purposes of this classification. The exact breakpoint at the 3' end of this variant is unknown, therefore this duplication may extend downstream of the annotated region of the gene. As it duplicates the termination codon, its effect on the encoded protein is unknown. The variant allele was found at a frequency of 8.3e-06 in 120774 control chromosomes in the gnomAD database (Structural Variants v4.1 dataset). The available data on variant occurrences in the general population are insufficient to allow any conclusion about variant significance. To our knowledge, no occurrence of c.(982+1_983-1)_(*1603_?)dup in individuals affected with TBX5-related conditions and no experimental evidence demonstrating its impact on protein function have been reported. No submitters have cited clinical-significance assessments for this variant to ClinVar. Based on the evidence outlined above, the variant was classified as uncertain significance.